The following is an entry in ClinVar:

ClinVar aggregate classification (germline): Uncertain significance (1 of 4 stars; one submission).

Conditions:
Hereditary cancer-predisposing syndrome. Also called: Neoplastic Syndromes, Hereditary; Tumor predisposition; Hereditary neoplastic syndrome; Hereditary Cancer Syndrome. Identifiers: Orphanet 140162, MedGen C0027672, MeSH D009386, MONDO:0015356.

Submission:

Ambry Genetics
Classification: Uncertain significance for Hereditary cancer-predisposing syndrome. Last evaluated: 2026-07-07. Review status: criteria provided, single submitter. Criteria: Ambry Variant Classification Scheme 2023. Collection method: clinical testing. Allele origin: germline.
Comment: The p.S84A variant (also known as c.250T>G), located in coding exon 4 of the MAX gene, results from a T to G substitution at nucleotide position 250. The serine at codon 84 is replaced by alanine, an amino acid with similar properties. This amino acid position is conserved. In addition, the in silico prediction for this alteration is inconclusive. Based on the available evidence, the clinical significance of this variant remains unclear.

NM_002382.5(MAX):c.172-6185T>G

Gene: MAX (MYC associated transcriptional regulator X; minus strand). Cytogenetic location: 14q23.3.
Variant type: single nucleotide variant.
Coding change: c.172-6185T>G on transcript NM_002382.5 (MANE Select); 6185 bases into the intron before coding-DNA position 172, T replaced by G.
Molecular consequence: intron variant. On other transcripts: missense variant (3), 3 prime UTR variant (1), non-coding transcript variant (4).
Genome position (GRCh38, 1-based): chr14:65,084,221, A>C on the plus strand (T>G on the coding strand, the complement: MAX is on the minus strand). VCF-style: chr14-65084221-A-C. GRCh37 (hg19) VCF-style: chr14-65550939-A-C.
Other names: c.223T>G, p.Ser75Ala (NM_001271068.2, NM_001407113.1); c.*24T>G (NM_001407114.1); c.250T>G, p.Ser84Ala (NM_145114.3); c.144+9487T>G (NM_001271069.2); c.171+9487T>G (NM_197957.4); c.-196-6185T>G (NM_001407112.1, NM_001407111.1); c.-103-6185T>G (NM_001407106.1, NM_001407107.1, NM_001320415.2 and 1 more transcripts); c.145-6185T>G (NM_001407095.1, NM_001407110.1, NM_001407102.1 and 6 more transcripts); and 2 more; short protein forms S84A, S75A.
Identifiers: ClinVar variation 5023981 (VCV005023981.1).